The following is an entry in ClinVar:

ClinVar aggregate classification (germline): Uncertain significance (1 of 4 stars; one submission).

Allele frequency attached by ClinVar (database versions not stated): ExAC 0.00002.
gnomAD v4.1: 9 of 1,614,048 alleles (0.00056%); highest among the groups gnomAD compares: South Asian, 0.0033%; no homozygotes.

Submission:

GeneDx
Classification: Uncertain significance. Last evaluated: 2022-04-27. Review status: criteria provided, single submitter. Criteria: GeneDx Variant Classification Process June 2021. Collection method: clinical testing. Allele origin: germline. Affected: yes.
Comment: Not observed at significant frequency in large population cohorts (gnomAD); In silico analysis supports that this missense variant does not alter protein structure/function; Has not been previously published as pathogenic or benign to our knowledge

NM_024753.5(TTC21B):c.3494C>T (p.Thr1165Met)

Gene: TTC21B (tetratricopeptide repeat domain 21B; minus strand). Cytogenetic location: 2q24.3.
Variant type: single nucleotide variant.
Coding change: c.3494C>T on transcript NM_024753.5 (MANE Select); coding-DNA position 3494, C replaced by T.
Protein change: p.Thr1165Met; replaces threonine 1165 with methionine.
Molecular consequence: missense variant.
Genome position (GRCh38, 1-based): chr2:165,883,984, G>A on the plus strand (C>T on the coding strand, the complement: TTC21B is on the minus strand). VCF-style: chr2-165883984-G-A. GRCh37 (hg19) VCF-style: chr2-166740494-G-A.
Other names: short protein forms T1165M.
Identifiers: ClinVar variation 1712870 (VCV001712870.2), dbSNP rs776834721, ClinGen allele CA1941483.